The following is an entry in ClinVar:

NM_173500.4(TTBK2):c.3418C>T (p.Pro1140Ser)

Gene: TTBK2 (tau tubulin kinase 2; minus strand). Cytogenetic location: 15q15.2.
Variant type: single nucleotide variant.
Coding change: c.3418C>T on transcript NM_173500.4 (MANE Select); coding-DNA position 3418, C replaced by T.
Protein change: p.Pro1140Ser; replaces proline 1140 with serine.
Molecular consequence: missense variant.
Genome position (GRCh38, 1-based): chr15:42,746,112, G>A on the plus strand (C>T on the coding strand, the complement: TTBK2 is on the minus strand). VCF-style: chr15-42746112-G-A. GRCh37 (hg19) VCF-style: chr15-43038310-G-A.
Other names: short protein forms P1140S.
Identifiers: ClinVar variation 315977 (VCV000315977.16), dbSNP rs576737530, ClinGen allele CA7516580.

ClinVar aggregate classification (germline): Conflicting classifications of pathogenicity. Review status: criteria provided, conflicting classifications (1 of 4 stars). 5 submissions from 5 submitters: Uncertain significance (4); Likely benign (1). Last evaluated 2026-02-01.

Conditions:
Inborn genetic diseases. Identifiers: MedGen C0950123, MeSH D030342.
Spinocerebellar ataxia type 11 (SCA11). Identifiers: Orphanet 98767, MedGen C1858351, MONDO:0011464, OMIM 604432.

Allele frequency attached by ClinVar (database versions not stated): gnomAD 0.00003 and 0.00004; TOPMed 0.00003; ExAC 0.00005; gnomAD exomes 0.00006.
gnomAD v4.1: 93 of 1,614,040 alleles (0.0058%); highest among the groups gnomAD compares: South Asian, 0.021%; no homozygotes.

Submissions (5):

CeGaT Center for Human Genetics Tuebingen
Classification: Uncertain significance. Last evaluated: 2026-02-01. Review status: criteria provided, single submitter. Criteria: CeGaT Center For Human Genetics Tuebingen Variant Classification Criteria Version 2. Collection method: clinical testing. Allele origin: germline. Affected: yes. Observed: 1 variant allele.

Labcorp Genetics (formerly Invitae), Labcorp
Classification: Uncertain significance. Last evaluated: 2025-10-25. Review status: criteria provided, single submitter. Criteria: Invitae Variant Classification Sherloc (09022015). Collection method: clinical testing. Allele origin: germline.
Comment: This sequence change replaces proline, which is neutral and non-polar, with serine, which is neutral and polar, at codon 1140 of the TTBK2 protein (p.Pro1140Ser). This variant is present in population databases (rs576737530, gnomAD 0.02%). This variant has not been reported in the literature in individuals affected with TTBK2-related conditions. ClinVar contains an entry for this variant (Variation ID: 315977). An algorithm developed to predict the effect of missense changes on protein structure and function (PolyPhen-2) suggests that this variant is likely to be disruptive. In summary, the available evidence is currently insufficient to determine the role of this variant in disease. Therefore, it has been classified as a Variant of Uncertain Significance.

Athena Diagnostics
Classification: Likely benign. Last evaluated: 2024-09-11. Review status: criteria provided, single submitter. Criteria: Athena Diagnostics Criteria. Collection method: clinical testing. Allele origin: unknown.

Ambry Genetics
Classification: Uncertain significance for Inborn genetic diseases. Last evaluated: 2021-09-14. Review status: criteria provided, single submitter. Criteria: Ambry Variant Classification Scheme 2023. Collection method: clinical testing. Allele origin: germline.

Illumina Laboratory Services, Illumina
Classification: Uncertain significance for Spinocerebellar ataxia type 11. Last evaluated: 2018-01-12. Review status: criteria provided, single submitter. Criteria: ICSL Variant Classification Criteria 13 December 2019. Collection method: clinical testing. Allele origin: germline.

Literature cited by the submitters: PubMed 31266935 (cited by Athena Diagnostics).